The following is an entry in ClinVar:

ClinVar aggregate classification (germline): Uncertain significance (1 of 4 stars; one submission).

Conditions:
Hereditary cancer-predisposing syndrome. Also called: Tumor predisposition; Hereditary Cancer Syndrome; Hereditary neoplastic syndrome; Neoplastic Syndromes, Hereditary. Identifiers: Orphanet 140162, MedGen C0027672, MeSH D009386, MONDO:0015356.

Allele frequency attached by ClinVar (database versions not stated): gnomAD exomes below 0.00001.
gnomAD v4.1: 1 of 1,614,148 alleles (0.000062%); highest among the groups gnomAD compares: Non-Finnish European, 0.000085%; no homozygotes.

Submission:

Ambry Genetics
Classification: Uncertain significance for Hereditary cancer-predisposing syndrome. Last evaluated: 2025-09-07. Review status: criteria provided, single submitter. Criteria: Ambry Variant Classification Scheme 2023. Collection method: clinical testing. Allele origin: germline.
Comment: The p.V573A variant (also known as c.1718T>C), located in coding exon 9 of the RET gene, results from a T to C substitution at nucleotide position 1718. The valine at codon 573 is replaced by alanine, an amino acid with similar properties. This amino acid position is conserved. In addition, the in silico prediction for this alteration is inconclusive. Since supporting evidence is limited at this time, the clinical significance of this alteration remains unclear.

NM_020975.6(RET):c.1718T>C (p.Val573Ala)

Gene: RET (ret proto-oncogene; plus strand). Cytogenetic location: 10q11.21.
Variant type: single nucleotide variant.
Coding change: c.1718T>C on transcript NM_020975.6 (MANE Select); coding-DNA position 1718, T replaced by C.
Protein change: p.Val573Ala; replaces valine 573 with alanine.
Molecular consequence: missense variant.
Genome position (GRCh38, 1-based): chr10:43,112,922, T>C. VCF-style: chr10-43112922-T-C. GRCh37 (hg19) VCF-style: chr10-43608370-T-C.
Other names: c.1718T>C, p.Val573Ala (NM_000323.2, NM_001406743.1, NM_001406744.1 and 6 more transcripts); c.956T>C, p.Val319Ala (NM_001355216.2); c.1589T>C, p.Val530Ala (NM_001406761.1, NM_001406762.1, NM_001406764.1 and 1 more transcripts); c.1430T>C, p.Val477Ala (NM_001406766.1, NM_001406767.1, NM_001406770.1); c.1322T>C, p.Val441Ala (NM_001406769.1, NM_001406772.1); c.1280T>C, p.Val427Ala (NM_001406771.1, NM_001406773.1); c.1193T>C, p.Val398Ala (NM_001406774.1); c.992T>C, p.Val331Ala (NM_001406775.1, NM_001406776.1, NM_001406777.1 and 1 more transcripts); and 5 more; short protein forms V274A, V331A, V530A, V231A, V243A, V441A, V319A, V398A.
Identifiers: ClinVar variation 2618782 (VCV002618782.3), dbSNP rs2538472320, ClinGen allele CA376552009.